The following is an entry in ClinVar:

ClinVar aggregate classification (germline): Uncertain significance (1 of 4 stars; one submission).

Conditions:
Lethal multiple pterygium syndrome (LMPS). Identifiers: Orphanet 33108, MedGen C1854678, MONDO:0009668, OMIM 253290.

Allele frequency attached by ClinVar (database versions not stated): gnomAD exomes 0.00001.
gnomAD v4.1: 10 of 1,613,878 alleles (0.00062%); highest among the groups gnomAD compares: Non-Finnish European, 0.00085%; no homozygotes.

Submission:

Labcorp Genetics (formerly Invitae), Labcorp
Classification: Uncertain significance for Lethal multiple pterygium syndrome. Last evaluated: 2023-04-19. Review status: criteria provided, single submitter. Criteria: Invitae Variant Classification Sherloc (09022015). Collection method: clinical testing. Allele origin: germline.
Comment: This variant has not been reported in the literature in individuals affected with CHRND-related conditions. This variant is not present in population databases (gnomAD no frequency). This sequence change replaces asparagine, which is neutral and polar, with aspartic acid, which is acidic and polar, at codon 510 of the CHRND protein (p.Asn510Asp). Advanced modeling of protein sequence and biophysical properties (such as structural, functional, and spatial information, amino acid conservation, physicochemical variation, residue mobility, and thermodynamic stability) performed at Invitae indicates that this missense variant is not expected to disrupt CHRND protein function. In summary, the available evidence is currently insufficient to determine the role of this variant in disease. Therefore, it has been classified as a Variant of Uncertain Significance.

NM_000751.3(CHRND):c.1528A>G (p.Asn510Asp)

Gene: CHRND (cholinergic receptor nicotinic delta subunit; plus strand). Cytogenetic location: 2q37.1.
Variant type: single nucleotide variant.
Coding change: c.1528A>G on transcript NM_000751.3 (MANE Select); coding-DNA position 1528, A replaced by G.
Protein change: p.Asn510Asp; replaces asparagine 510 with aspartic acid.
Molecular consequence: missense variant.
Genome position (GRCh38, 1-based): chr2:232,535,286, A>G. VCF-style: chr2-232535286-A-G. GRCh37 (hg19) VCF-style: chr2-233399996-A-G.
Other names: c.1483A>G, p.Asn495Asp (NM_001256657.2); c.946A>G, p.Asn316Asp (NM_001311195.2); c.1225A>G, p.Asn409Asp (NM_001311196.2); short protein forms N510D, N316D, N409D, N495D.
Identifiers: ClinVar variation 2960033 (VCV002960033.3), dbSNP rs2469737849, ClinGen allele CA351006216.